The following is an entry in ClinVar:

NM_001368894.2(PAX6):c.-129+1G>A

Gene: PAX6 (paired box 6; minus strand). Cytogenetic location: 11p13.
Variant type: single nucleotide variant.
Coding change: c.-129+1G>A on transcript NM_001368894.2 (MANE Select); the canonical splice donor site of the intron after 129 bases upstream of the start codon, G replaced by A.
Molecular consequence: splice donor variant.
Genome position (GRCh38, 1-based): chr11:31,810,827, C>T on the plus strand (G>A on the coding strand, the complement: PAX6 is on the minus strand). VCF-style: chr11-31810827-C-T. GRCh37 (hg19) VCF-style: chr11-31832375-C-T.
Other names: c.-129+1G>A (NM_001127612.3, NM_001368921.2, NM_001368923.2 and 27 more transcripts); c.-29+1G>A (NM_001368910.2); c.-268+1G>A (NM_001368909.2); c.13+1G>A (NM_001368911.2); c.-406+1G>A (NM_001368904.2); c.-910+1G>A (NM_001368905.2).
Identifiers: ClinVar variation 559615 (VCV000559615.4), dbSNP rs1565277245, ClinGen allele CA913190253.

ClinVar aggregate classification (germline): Pathogenic. Review status: criteria provided, multiple submitters, no conflicts (2 of 4 stars). 2 submissions from 2 submitters: Pathogenic (2). Last evaluated 2023-05-24.

Conditions:
PAX6-related disorder. Also called: PAX6-related disorders; PAX6-related condition.
Aniridia 1 (AN1). Identifiers: Orphanet 250923, MedGen C0344542, MONDO:0024507, OMIM 106210.

Submissions (2):

PreventionGenetics, part of Exact Sciences
Classification: Pathogenic for PAX6-related condition. Last evaluated: 2023-05-24. Review status: criteria provided, single submitter. Criteria: ACMG Guidelines, 2015. Collection method: clinical testing. Allele origin: germline.
Comment: The PAX6 c.-129+1G>A variant is located in the 5' untranslated region. This variant is located in the 5’ untranslated region of the PAX6 gene. This variant has been reported in multiple unrelated individuals with isolated aniridia in which the variant was either inherited from an affected parent or was determined to be de novo (Plaisancié et al 2018. PubMed ID: 30291432). This same study performed a functional analysis using a minigene assay which confirmed that this variant indeed causes aberrant splicing (Plaisancié et al 2018. PubMed ID: 30291432). This variant has not been reported in a large population database, indicating this variant is rare. Given the evidence, we interpret c.-129+1G>A as pathogenic.

Genetics Department, University Hospital of Toulouse
Classification: Pathogenic for Aniridia 1. Last evaluated: 2018-08-01. Review status: criteria provided, single submitter. Criteria: ACMG Guidelines, 2015. Collection method: research. Allele origin: inherited. Affected: yes.